The following is an entry in ClinVar:

NM_000789.4(ACE):c.2585G>A (p.Arg862His)

Gene: ACE (angiotensin I converting enzyme; plus strand). Cytogenetic location: 17q23.3.
Variant type: single nucleotide variant.
Coding change: c.2585G>A on transcript NM_000789.4 (MANE Select); coding-DNA position 2585, G replaced by A.
Protein change: p.Arg862His; replaces arginine 862 with histidine.
Molecular consequence: missense variant. On other transcripts: non-coding transcript variant (1), intron variant (1).
Genome position (GRCh38, 1-based): chr17:63,489,076, G>A. VCF-style: chr17-63489076-G-A. GRCh37 (hg19) VCF-style: chr17-61566437-G-A.
Other names: c.863G>A, p.Arg288His (NM_001178057.2, NM_152830.3); c.2018G>A, p.Arg673His (NM_001382700.1); c.1733G>A, p.Arg578His (NM_001382701.1); c.379+285G>A (NM_001382702.1); short protein forms R288H, R862H, R578H, R673H.
Identifiers: ClinVar variation 1490996 (VCV001490996.5), dbSNP rs756018518, ClinGen allele CA8700161.

ClinVar aggregate classification (germline): Uncertain significance. Review status: criteria provided, multiple submitters, no conflicts (2 of 4 stars). 2 submissions from 2 submitters: Uncertain significance (2). Last evaluated 2022-01-17.

Conditions:
Hemorrhage, intracerebral, susceptibility to (ICH). Also called: Stroke, hemorrhagic, susceptibility to. Identifiers: MedGen C3281105, MONDO:0100533, OMIM 614519.
Microvascular complications of diabetes, susceptibility to, 3. Identifiers: MedGen C2675470, MONDO:0012963, OMIM 612624.
Renal tubular dysgenesis of genetic origin. Also called: PRIMITIVE RENAL TUBULE SYNDROME. Identifiers: Orphanet 97369, MedGen C5681536, MONDO:0009970, OMIM 267430.

Allele frequency attached by ClinVar (database versions not stated): gnomAD 0.00001 and 0.00002; gnomAD exomes 0.00001 and 0.00004; ExAC 0.00002; TOPMed 0.00005.
gnomAD v4.1: 25 of 1,613,522 alleles (0.0015%); highest among the groups gnomAD compares: South Asian, 0.0088%; no homozygotes.

Submissions (2):

Fulgent Genetics
Classification: Uncertain significance for Renal tubular dysgenesis of genetic origin; Microvascular complications of diabetes, susceptibility to, 3; Hemorrhage, intracerebral, susceptibility to. Last evaluated: 2022-01-17. Review status: criteria provided, single submitter. Criteria: ACMG Guidelines, 2015. Collection method: clinical testing. Allele origin: unknown.

Labcorp Genetics (formerly Invitae), Labcorp
Classification: Uncertain significance. Last evaluated: 2021-10-28. Review status: criteria provided, single submitter. Criteria: Invitae Variant Classification Sherloc (09022015). Collection method: clinical testing. Allele origin: germline.
Comment: This variant has not been reported in the literature in individuals affected with ACE-related conditions. Algorithms developed to predict the effect of missense changes on protein structure and function output the following: SIFT: "Deleterious"; PolyPhen-2: "Benign"; Align-GVGD: "Class C0". The histidine amino acid residue is found in multiple mammalian species, which suggests that this missense change does not adversely affect protein function. In summary, the available evidence is currently insufficient to determine the role of this variant in disease. Therefore, it has been classified as a Variant of Uncertain Significance. This variant is present in population databases (rs756018518, gnomAD 0.01%). This sequence change replaces arginine, which is basic and polar, with histidine, which is basic and polar, at codon 862 of the ACE protein (p.Arg862His).